The following is an entry in ClinVar:

NM_004036.5(ADCY3):c.2541C>T (p.Phe847=)

Gene: ADCY3 (adenylate cyclase 3; minus strand). Cytogenetic location: 2p23.3.
Variant type: single nucleotide variant.
Coding change: c.2541C>T on transcript NM_004036.5 (MANE Select); coding-DNA position 2541, C replaced by T.
Protein change: p.Phe847=; no amino-acid change (phenylalanine 847 retained).
Molecular consequence: synonymous variant. On other transcripts: intron variant (1).
Genome position (GRCh38, 1-based): chr2:24,826,081, G>A on the plus strand (C>T on the coding strand, the complement: ADCY3 is on the minus strand). VCF-style: chr2-24826081-G-A. GRCh37 (hg19) VCF-style: chr2-25048950-G-A.
Other names: c.2544C>T, p.Phe848= (NM_001320613.2); c.2607C>T, p.Phe869= (NM_001377128.1); c.2403C>T, p.Phe801= (NM_001377129.1); c.1818C>T, p.Phe606= (NM_001377131.1); c.2541C>T, p.Phe847= (NM_001377132.1); c.2173-1545C>T (NM_001377130.1).
Identifiers: ClinVar variation 3356682 (VCV003356682.1).
Genomic context (GRCh38, chr2:24,826,081, plus strand): 5'-GGGGATCGTGCAGGCGGCACTCACGTGGCGGGAGAAGTAGTAGAAGCTGAGCATCATGAG[G>A]AACACCATCACCGTCATAGAGTACTTGGAAGGCACCAGGGGCAGCCTGCTGGGCAGAGCG-3'
Protein context (NP_004027.2, residues 837-857): PSKYSMTVMV[Phe847=]LMMLSFYYFS

ClinVar aggregate classification (germline): Likely benign (0 of 4 stars; one submission).

Conditions:
ADCY3-related disorder. Also called: ADCY3-related condition.

gnomAD v4.1: 23 of 1,613,974 alleles (0.0014%); highest among the groups gnomAD compares: Non-Finnish European, 0.0016%; no homozygotes.

Submission:

PreventionGenetics, part of Exact Sciences
Classification: Likely benign for ADCY3-related condition. Last evaluated: 2022-10-10. Review status: no assertion criteria provided. Collection method: clinical testing. Allele origin: germline.
Comment: This variant is classified as likely benign based on ACMG/AMP sequence variant interpretation guidelines (Richards et al. 2015 PMID: 25741868, with internal and published modifications).